The following is an entry in ClinVar:

NM_015141.4(GPD1L):c.14C>T (p.Pro5Leu)

Genes: GPD1L (glycerol-3-phosphate dehydrogenase 1 like; plus strand), LOC129936414 (ATAC-STARR-seq lymphoblastoid silent region 14165; plus strand). Cytogenetic location: 3p22.3.
Variant type: single nucleotide variant.
Coding change: c.14C>T on transcript NM_015141.4 (MANE Select); coding-DNA position 14, C replaced by T.
Protein change: p.Pro5Leu; replaces proline 5 with leucine.
Molecular consequence: missense variant.
Genome position (GRCh38, 1-based): chr3:32,106,725, C>T. VCF-style: chr3-32106725-C-T. GRCh37 (hg19) VCF-style: chr3-32148217-C-T.
Other names: short protein forms P5L.
Identifiers: ClinVar variation 1038767 (VCV001038767.5), dbSNP rs1156887730, ClinGen allele CA351970180.

ClinVar aggregate classification (germline): Uncertain significance (1 of 4 stars; one submission).

Conditions:
Brugada syndrome. Also called: Sudden unexpected nocturnal death syndrome; Sudden unexplained nocturnal death syndrome; Sudden Unexplained Death Syndrome; Sudden Unexplained Nocturnal Death Syndrome (SUNDS). Identifiers: Orphanet 130, MedGen C1142166, MONDO:0015263.

Submission:

Labcorp Genetics (formerly Invitae), Labcorp
Classification: Uncertain significance for Brugada syndrome. Last evaluated: 2020-02-25. Review status: criteria provided, single submitter. Criteria: Invitae Variant Classification Sherloc (09022015). Collection method: clinical testing. Allele origin: germline.
Comment: This sequence change replaces proline with leucine at codon 5 of the GPD1L protein (p.Pro5Leu). The proline residue is moderately conserved and there is a moderate physicochemical difference between proline and leucine. This variant is not present in population databases (ExAC no frequency). This variant has not been reported in the literature in individuals with GPD1L-related conditions. Algorithms developed to predict the effect of missense changes on protein structure and function (SIFT, PolyPhen-2, Align-GVGD) all suggest that this variant is likely to be tolerated, but these predictions have not been confirmed by published functional studies and their clinical significance is uncertain. In summary, the available evidence is currently insufficient to determine the role of this variant in disease. Therefore, it has been classified as a Variant of Uncertain Significance.